The following is an entry in ClinVar:

ClinVar aggregate classification (germline): Pathogenic (1 of 4 stars; one submission).

Submission:

GeneDx
Classification: Pathogenic. Last evaluated: 2014-04-29. Review status: criteria provided, single submitter. Criteria: GeneDx Variant Classification (06012015). Collection method: clinical testing. Allele origin: germline. Affected: yes.
Comment: c.52924+1 G>C: IVS245+1 G>C in intron 245 of the TTN gene (NM_001256850.1). Although the c.52924+1 G>C mutation has not been reported as a disease-causing mutation or as a benign polymorphism to our knowledge, this mutation destroys the canonical splice donor site in intron 245 and is predicted to cause abnormal gene splicing. The mutation is predicted to lead to either an abnormal message that is subject to nonsense-mediated mRNA decay, or to an abnormal protein product if the message is used for protein translation. Other truncating TTN variants have been reported in approximately 3% of control alleles (Herman D et al., 2012). However, c.52924+1 G>C is located in the A-band region of titin, where the majority of truncating mutations associated with DCM have been reported (Herman D et al., 2012).In summary, c.52924+1 G>C in the TTN gene is interpreted as a disease-causing mutation. The variant is found in CARDIOMYOPATHY panel(s).

NM_001267550.2(TTN):c.57847+1G>C

Genes: TTN (titin; minus strand), TTN-AS1 (TTN antisense RNA 1; plus strand). Cytogenetic location: 2q31.2.
Variant type: single nucleotide variant.
Coding change: c.57847+1G>C on transcript NM_001267550.2 (MANE Select); the canonical splice donor site of the intron after coding-DNA position 57847, G replaced by C.
Molecular consequence: splice donor variant.
Genome position (GRCh38, 1-based): chr2:178,595,506, C>G on the plus strand (G>C on the coding strand, the complement: TTN is on the minus strand). VCF-style: chr2-178595506-C-G. GRCh37 (hg19) VCF-style: chr2-179460233-C-G.
Other names: c.30652+1G>C (NM_003319.4); c.31228+1G>C (NM_133437.4); c.31027+1G>C (NM_133432.3); c.50143+1G>C (NM_133378.4); c.52924+1G>C (NM_001256850.1).
Identifiers: ClinVar variation 202394 (VCV000202394.4), dbSNP rs397517631, ClinGen allele CA309283.